The following is an entry in ClinVar:

NM_021625.5(TRPV4):c.145C>A (p.Pro49Thr)

Gene: TRPV4 (transient receptor potential cation channel subfamily V member 4; minus strand). Cytogenetic location: 12q24.11.
Variant type: single nucleotide variant.
Coding change: c.145C>A on transcript NM_021625.5 (MANE Select); coding-DNA position 145, C replaced by A.
Protein change: p.Pro49Thr; replaces proline 49 with threonine.
Molecular consequence: missense variant. On other transcripts: intron variant (1).
Genome position (GRCh38, 1-based): chr12:109,814,652, G>T on the plus strand (C>A on the coding strand, the complement: TRPV4 is on the minus strand). VCF-style: chr12-109814652-G-T. GRCh37 (hg19) VCF-style: chr12-110252457-G-T.
Other names: p.Pro49Thr; c.145C>A, p.Pro49Thr (NM_001177428.2, NM_001177433.2, NM_147204.3); c.80-37C>A (NM_001177431.1); short protein forms P49T.
Identifiers: ClinVar variation 649227 (VCV000649227.20), dbSNP rs546287338, ClinGen allele CA6780612.

ClinVar aggregate classification (germline): Conflicting classifications of pathogenicity. Review status: criteria provided, conflicting classifications (1 of 4 stars). 5 submissions from 5 submitters: Uncertain significance (4); Likely benign (1). Last evaluated 2025-06-09.

Conditions:
Charcot-Marie-Tooth disease. Also called: Charcot-Marie-Tooth Neuropathy; Charcot-Marie-Tooth Hereditary Neuropathy. Identifiers: Orphanet 166, MedGen C0007959, MONDO:0015626.
Charcot-Marie-Tooth disease axonal type 2C (HMSN2C). Also called: Charcot-Marie-Tooth Disease Type 2, TRPV4-Related (CMT2C); CHARCOT-MARIE-TOOTH DISEASE, AXONAL, AUTOSOMAL DOMINANT, TYPE 2C; Charcot-Marie-Tooth Neuropathy Type 2C. Identifiers: Orphanet 99937, MedGen C1853710, MONDO:0011633, OMIM 606071.
Inborn genetic diseases. Identifiers: MedGen C0950123, MeSH D030342.

Allele frequency attached by ClinVar (database versions not stated): gnomAD 0.00001; TOPMed 0.00003; ExAC 0.00004; gnomAD exomes 0.00004 and 0.00002.
gnomAD v4.1: 53 of 1,613,408 alleles (0.0033%); highest among the groups gnomAD compares: Non-Finnish European, 0.0045%; no homozygotes.

Submissions (5):

Ambry Genetics
Classification: Uncertain significance for Inborn genetic diseases. Last evaluated: 2025-06-09. Review status: criteria provided, single submitter. Criteria: Ambry Variant Classification Scheme 2023. Collection method: clinical testing. Allele origin: germline.

Labcorp Genetics (formerly Invitae), Labcorp
Classification: Uncertain significance for Charcot-Marie-Tooth disease axonal type 2C. Last evaluated: 2024-06-26. Review status: criteria provided, single submitter. Criteria: Invitae Variant Classification Sherloc (09022015). Collection method: clinical testing. Allele origin: germline.
Comment: This sequence change replaces proline, which is neutral and non-polar, with threonine, which is neutral and polar, at codon 49 of the TRPV4 protein (p.Pro49Thr). This variant is present in population databases (rs546287338, gnomAD 0.006%). This variant has not been reported in the literature in individuals affected with TRPV4-related conditions. ClinVar contains an entry for this variant (Variation ID: 649227). Advanced modeling of protein sequence and biophysical properties (such as structural, functional, and spatial information, amino acid conservation, physicochemical variation, residue mobility, and thermodynamic stability) performed at Invitae indicates that this missense variant is not expected to disrupt TRPV4 protein function with a negative predictive value of 95%. In summary, the available evidence is currently insufficient to determine the role of this variant in disease. Therefore, it has been classified as a Variant of Uncertain Significance.

Mayo Clinic Laboratories, Mayo Clinic
Classification: Uncertain significance. Last evaluated: 2021-06-08. Review status: criteria provided, single submitter. Criteria: ACMG Guidelines, 2015. Collection method: clinical testing. Allele origin: germline.

GeneDx
Classification: Likely benign. Last evaluated: 2020-09-14. Review status: criteria provided, single submitter. Criteria: GeneDx Variant Classification Process June 2021. Collection method: clinical testing. Allele origin: germline. Affected: yes.

Molecular Genetics Laboratory, London Health Sciences Centre
Classification: Uncertain significance for Charcot-Marie-Tooth disease. Review status: criteria provided, single submitter. Criteria: ACMG Guidelines, 2015. Collection method: clinical testing. Allele origin: germline. Affected: yes.